The following is an entry in ClinVar:

NM_000256.3(MYBPC3):c.2906-3C>T

Gene: MYBPC3 (myosin binding protein C3; minus strand). Cytogenetic location: 11p11.2.
Variant type: single nucleotide variant.
Coding change: c.2906-3C>T on transcript NM_000256.3 (MANE Select); 3 bases into the intron before coding-DNA position 2906, C replaced by T.
Molecular consequence: intron variant.
Genome position (GRCh38, 1-based): chr11:47,334,013, G>A on the plus strand (C>T on the coding strand, the complement: MYBPC3 is on the minus strand). VCF-style: chr11-47334013-G-A. GRCh37 (hg19) VCF-style: chr11-47355564-G-A.
Identifiers: ClinVar variation 1172155 (VCV001172155.3), dbSNP rs1168532194, ClinGen allele CA599374132.

ClinVar aggregate classification (germline): Conflicting classifications of pathogenicity. Review status: criteria provided, conflicting classifications (1 of 4 stars). 2 submissions from 2 submitters: Uncertain significance (1); Likely benign (1). Last evaluated 2026-02-03.

Conditions:
Cardiovascular phenotype. Identifiers: MedGen CN230736.
Cardiomyopathy (CMYO). Also called: Cardiomyopathies. Identifiers: Orphanet 167848, MedGen C0878544, MONDO:0004994, HP:0001638. Inheritance: Various modes of inheritance.

Allele frequency attached by ClinVar (database versions not stated): gnomAD exomes below 0.00001 and 0.00001.

Submissions (2):

Ambry Genetics
Classification: Uncertain significance for Cardiovascular phenotype. Last evaluated: 2026-02-03. Review status: criteria provided, single submitter. Criteria: Ambry Variant Classification Scheme 2023. Collection method: clinical testing. Allele origin: germline.
Comment: The c.2906-3C>T intronic variant results from a C to T substitution 3 nucleotides upstream from coding exon 28 in the MYBPC3 gene. This nucleotide position is well conserved in available vertebrate species. In silico splice site analysis predicts that this alteration will not have any significant effect on splicing. Based on the available evidence, the clinical significance of this variant remains unclear.

Color Diagnostics, LLC DBA Color Health
Classification: Likely benign for Cardiomyopathy. Last evaluated: 2020-06-22. Review status: criteria provided, single submitter. Criteria: ACMG Guidelines, 2015. Collection method: clinical testing. Allele origin: germline.